The following is an entry in ClinVar:

NM_213720.3(CHCHD10):c.44_45delinsTT (p.Arg15Leu)

Gene: CHCHD10 (coiled-coil-helix-coiled-coil-helix domain containing 10; minus strand). Cytogenetic location: 22q11.23.
Variant type: Indel.
Coding change: c.44_45delinsTT on transcript NM_213720.3 (MANE Select); coding-DNA positions 44 to 45, GC replaced by TT.
Protein change: p.Arg15Leu; replaces arginine 15 with leucine.
Molecular consequence: missense variant.
Genome position (GRCh38, 1-based): chr22:23,767,590-23,767,591, GC replaced by AA on the plus strand (GC replaced by TT on the coding strand, the reverse complement: CHCHD10 is on the minus strand). VCF-style: chr22-23767590-GC-AA. GRCh37 (hg19) VCF-style: chr22-24109777-GC-AA.
Other names: c.44_45delinsTT, p.Arg15Leu (NM_001301339.2); short protein forms R15L.
Identifiers: ClinVar variation 1452852 (VCV001452852.6), dbSNP rs2145927350, ClinGen allele CA2573157754.

ClinVar aggregate classification (germline): Pathogenic (1 of 4 stars; one submission).

Conditions:
Lower motor neuron syndrome with late-adult onset (SMAJ). Also called: Spinal muscular atrophy, Jokela type; Late-Onset Spinal Motor Neuronopathy (SMAJ). Identifiers: Orphanet 276435, MedGen C3554398, MONDO:0014025, OMIM 615048.
Frontotemporal dementia and/or amyotrophic lateral sclerosis 2. Also called: FTDALS2. Identifiers: Orphanet 275872, MedGen C4014648, MONDO:0014395, OMIM 615911.
Autosomal dominant mitochondrial myopathy with exercise intolerance (IMMD). Also called: Myopathy, isolated mitochondrial, autosomal dominant. Identifiers: Orphanet 457050, MedGen C4015513, MONDO:0014532, OMIM 616209.

Submission:

Labcorp Genetics (formerly Invitae), Labcorp
Classification: Pathogenic for Lower motor neuron syndrome with late-adult onset; Frontotemporal dementia and/or amyotrophic lateral sclerosis 2; Autosomal dominant mitochondrial myopathy with exercise intolerance. Last evaluated: 2022-04-08. Review status: criteria provided, single submitter. Criteria: Invitae Variant Classification Sherloc (09022015). Collection method: clinical testing. Allele origin: germline.
Comment: This sequence change replaces arginine, which is basic and polar, with leucine, which is neutral and non-polar, at codon 15 of the CHCHD10 protein (p.Arg15Leu). Information on the frequency of this variant in the gnomAD database is not available, as this variant may be reported differently in the database. This missense change has been observed in individual(s) with amyotrophic lateral sclerosis (PMID: 25113787, 25261972, 25681414; Invitae). It has also been observed to segregate with disease in related individuals. Algorithms developed to predict the effect of variants on protein structure and function are not available or were not evaluated for this variant. Experimental studies have shown that this missense change affects CHCHD10 function (PMID: 28585542, 29112723, 29315381, 29789341, 32369233). For these reasons, this variant has been classified as Pathogenic.

Literature cited by the submitters: PubMed 25113787; PubMed 25261972; PubMed 25681414; PubMed 28585542; PubMed 29112723; PubMed 29315381; PubMed 29789341; PubMed 32369233.